The following is an entry in ClinVar:

ClinVar aggregate classification (germline): Uncertain significance. Review status: criteria provided, multiple submitters, no conflicts (2 of 4 stars). 2 submissions from 2 submitters: Uncertain significance (2). Last evaluated 2026-08-04.

Conditions:
Bardet-Biedl syndrome 15 (BBS15). Identifiers: Orphanet 110, MedGen C3150127, MONDO:0014443, OMIM 615992.
Heart defect - tongue hamartoma - polysyndactyly syndrome. Also called: Congenital heart defects, hamartomas of tongue, and polysyndactyly. Identifiers: Orphanet 1338, MedGen C1857587, MONDO:0009008, OMIM 217085.
WDPCP-related disorder. Also called: WDPCP-related condition.

gnomAD v4.1: 7 of 1,600,300 alleles (0.00044%); highest among the groups gnomAD compares: African/African-American, 0.0081%; no homozygotes.

Submissions (2):

PreventionGenetics, part of Exact Sciences
Classification: Uncertain significance for WDPCP-related condition. Last evaluated: 2026-08-04. Review status: criteria provided, single submitter. Criteria: ACMG Guidelines, 2015. Collection method: clinical testing. Allele origin: germline.
Comment: The WDPCP c.559A>T variant is predicted to result in the amino acid substitution p.Ile187Phe. To our knowledge, this variant has not been reported in the literature. This variant is reported in 0.0042% of alleles in individuals of African descent in gnomAD. At this time, the clinical significance of this variant is uncertain due to the absence of conclusive functional and genetic evidence.

Fulgent Genetics
Classification: Uncertain significance for Heart defect - tongue hamartoma - polysyndactyly syndrome; Bardet-Biedl syndrome 15. Last evaluated: 2024-01-22. Review status: criteria provided, single submitter. Criteria: ACMG Guidelines, 2015. Collection method: clinical testing. Allele origin: germline.

NM_015910.7(WDPCP):c.559A>T (p.Ile187Phe)

Gene: WDPCP (WD repeat containing planar cell polarity effector; minus strand). Cytogenetic location: 2p15.
Variant type: single nucleotide variant.
Coding change: c.559A>T on transcript NM_015910.7 (MANE Select); coding-DNA position 559, A replaced by T.
Protein change: p.Ile187Phe; replaces isoleucine 187 with phenylalanine.
Molecular consequence: missense variant. On other transcripts: non-coding transcript variant (3).
Genome position (GRCh38, 1-based): chr2:63,437,495, T>A on the plus strand (A>T on the coding strand, the complement: WDPCP is on the minus strand). VCF-style: chr2-63437495-T-A. GRCh37 (hg19) VCF-style: chr2-63664629-T-A.
Other names: c.559A>T (NM_015910.5); c.82A>T, p.Ile28Phe (NM_001042692.3); c.487A>T, p.Ile163Phe (NM_001354044.2); c.559A>T, p.Ile187Phe (NM_001354045.2); short protein forms I163F, I187F, I28F.
Identifiers: ClinVar variation 3586831 (VCV003586831.2).
Genomic context (GRCh38, chr2:63,437,495, plus strand): 5'-CTGAGAGTTTTTCCAGTCTTTTGTTTACATCAGAAGACTCCATCTTCTTGGTAAACTGAA[T>A]AAAACATAGTTTGTTTTGTGCCAAAAATGATAAGATGATAAAACTGTCTGTGAGAAGAGC-3'
Protein context (NP_056994.3, residues 177-197): SFLAQNKLCF[Ile187Phe]QFTKKMESSD